The following is an entry in ClinVar:

ClinVar aggregate classification (germline): Uncertain significance. Review status: criteria provided, multiple submitters, no conflicts (2 of 4 stars). 3 submissions from 3 submitters: Uncertain significance (3). Last evaluated 2025-09-26.

Conditions:
Cardiomyopathy (CMYO). Also called: Cardiomyopathies. Identifiers: Orphanet 167848, MedGen C0878544, MONDO:0004994, HP:0001638. Inheritance: Various modes of inheritance.
Arrhythmogenic right ventricular dysplasia 5. Also called: ARRHYTHMOGENIC RIGHT VENTRICULAR DYSPLASIA, FAMILIAL, 5; Arrhythmogenic Right Ventricular Dysplasia/Cardiomyopathy 5. Identifiers: MedGen C1858379, MONDO:0011459, OMIM 604400.
Cardiovascular phenotype. Identifiers: MedGen CN230736.

Allele frequency attached by ClinVar (database versions not stated): gnomAD exomes below 0.00001.
gnomAD v4.1: 1 of 1,613,862 alleles (0.000062%); highest among the groups gnomAD compares: Non-Finnish European, 0.000085%; no homozygotes.

Submissions (3):

Ambry Genetics
Classification: Uncertain significance for Cardiovascular phenotype. Last evaluated: 2025-09-26. Review status: criteria provided, single submitter. Criteria: Ambry Variant Classification Scheme 2023. Collection method: clinical testing. Allele origin: germline.

Color Diagnostics, LLC DBA Color Health
Classification: Uncertain significance for Cardiomyopathy. Last evaluated: 2025-08-17. Review status: criteria provided, single submitter. Criteria: ACMG Guidelines, 2015. Collection method: clinical testing. Allele origin: germline.
Comment: This missense variant replaces alanine with threonine at codon 65 of the TMEM43 protein. Computational prediction suggests that this variant may not impact protein structure and function. To our knowledge, functional studies have not been reported for this variant. This variant has not been reported in individuals affected with TMEM43-related disorders in the literature. This variant has not been identified in the general population by the Genome Aggregation Database (gnomAD). The available evidence is insufficient to determine the role of this variant in disease conclusively. Therefore, this variant is classified as a Variant of Uncertain Significance.

Labcorp Genetics (formerly Invitae), Labcorp
Classification: Uncertain significance for Arrhythmogenic right ventricular dysplasia 5. Last evaluated: 2024-05-22. Review status: criteria provided, single submitter. Criteria: Invitae Variant Classification Sherloc (09022015). Collection method: clinical testing. Allele origin: germline.
Comment: This sequence change replaces alanine, which is neutral and non-polar, with threonine, which is neutral and polar, at codon 65 of the TMEM43 protein (p.Ala65Thr). This variant is not present in population databases (gnomAD no frequency). This variant has not been reported in the literature in individuals affected with TMEM43-related conditions. ClinVar contains an entry for this variant (Variation ID: 1448879). Advanced modeling of protein sequence and biophysical properties (such as structural, functional, and spatial information, amino acid conservation, physicochemical variation, residue mobility, and thermodynamic stability) performed at Invitae indicates that this missense variant is not expected to disrupt TMEM43 protein function with a negative predictive value of 80%. Algorithms developed to predict the effect of sequence changes on RNA splicing suggest that this variant may create or strengthen a splice site. In summary, the available evidence is currently insufficient to determine the role of this variant in disease. Therefore, it has been classified as a Variant of Uncertain Significance.

NM_024334.3(TMEM43):c.193G>A (p.Ala65Thr)

Gene: TMEM43 (transmembrane protein 43; plus strand). Cytogenetic location: 3p25.1.
Variant type: single nucleotide variant.
Coding change: c.193G>A on transcript NM_024334.3 (MANE Select); coding-DNA position 193, G replaced by A.
Protein change: p.Ala65Thr; replaces alanine 65 with threonine.
Molecular consequence: missense variant.
Genome position (GRCh38, 1-based): chr3:14,130,852, G>A. VCF-style: chr3-14130852-G-A. GRCh37 (hg19) VCF-style: chr3-14172352-G-A.
Other names: c.193G>A (NM_024334.2); short protein forms A65T.
Identifiers: ClinVar variation 1448879 (VCV001448879.8), dbSNP rs1695084511, ClinGen allele CA351534540.
Genomic context (GRCh38, chr3:14,130,852, plus strand): 5'-GTTGAAATCCCCACTCCCCTTTGCTCCCAGGGCCGCGCATTGAAGACGGCAACCTCATTG[G>A]CTGAGGGGCTCTCGCTTGTGGTGTCTCCCGACAGCATCCACAGTGTGGCTCCGGAGAATG-3'
Protein context (NP_077310.1, residues 55-75): GRALKTATSL[Ala65Thr]EGLSLVVSPD